The following is an entry in ClinVar:

NM_015512.5(DNAH1):c.6374C>T (p.Thr2125Ile)

Gene: DNAH1 (dynein axonemal heavy chain 1; plus strand). Cytogenetic location: 3p21.1.
Variant type: single nucleotide variant.
Coding change: c.6374C>T on transcript NM_015512.5 (MANE Select); coding-DNA position 6374, C replaced by T.
Protein change: p.Thr2125Ile; replaces threonine 2125 with isoleucine.
Molecular consequence: missense variant.
Genome position (GRCh38, 1-based): chr3:52,370,592, C>T. VCF-style: chr3-52370592-C-T. GRCh37 (hg19) VCF-style: chr3-52404608-C-T.
Other names: short protein forms T2125I.
Identifiers: ClinVar variation 1033362 (VCV001033362.2), dbSNP rs950353955, ClinGen allele CA74759768.

ClinVar aggregate classification (germline): Conflicting classifications of pathogenicity. Review status: criteria provided, conflicting classifications (1 of 4 stars). 2 submissions from 2 submitters: Uncertain significance (1); Likely benign (1). Last evaluated 2021-12-28.

Conditions:
Ciliary dyskinesia, primary, 37 (CILD37). Also called: CILIARY DYSKINESIA, PRIMARY, 37, WITH OR WITHOUT SITUS INVERSUS. Identifiers: MedGen C4539798, MONDO:0033204, OMIM 617577.

Allele frequency attached by ClinVar (database versions not stated): gnomAD exomes 0.00001 and 0.00002; TOPMed 0.00001.
gnomAD v4.1: 6 of 1,613,068 alleles (0.00037%); highest among the groups gnomAD compares: Admixed American, 0.005%; no homozygotes.

Submissions (2):

Blueprint Genetics
Classification: Likely benign. Last evaluated: 2021-12-28. Review status: criteria provided, single submitter. Criteria: ACMG Guidelines, 2015. Collection method: clinical testing. Allele origin: germline.

Baylor Genetics
Classification: Uncertain significance for Ciliary dyskinesia, primary, 37. Last evaluated: 2018-06-06. Review status: criteria provided, single submitter. Criteria: ACMG Guidelines, 2015. Collection method: clinical testing. Allele origin: maternal. Affected: yes.
Comment: This variant was determined to be of uncertain significance according to ACMG Guidelines, 2015 [PMID:25741868].